The following is an entry in ClinVar:

ClinVar aggregate classification (germline): Uncertain significance (1 of 4 stars; one submission).

Submission:

GeneDx
Classification: Uncertain significance. Last evaluated: 2025-02-12. Review status: criteria provided, single submitter. Criteria: GeneDx Variant Classification Process June 2021. Collection method: clinical testing. Allele origin: germline. Affected: yes.
Comment: In silico analysis indicates that this missense variant does not alter protein structure/function; Has not been previously published as pathogenic or benign to our knowledge

NM_000292.3(PHKA2):c.1864G>A (p.Asp622Asn)

Gene: PHKA2 (phosphorylase kinase regulatory subunit alpha 2; minus strand). Cytogenetic location: Xp22.13.
Variant type: single nucleotide variant.
Coding change: c.1864G>A on transcript NM_000292.3 (MANE Select); coding-DNA position 1864, G replaced by A.
Protein change: p.Asp622Asn; replaces aspartic acid 622 with asparagine.
Molecular consequence: missense variant.
Genome position (GRCh38, 1-based): chrX:18,920,131, C>T on the plus strand (G>A on the coding strand, the complement: PHKA2 is on the minus strand). VCF-style: chrX-18920131-C-T. GRCh37 (hg19) VCF-style: chrX-18938249-C-T.
Other names: c.1864G>A, p.Asp622Asn (NM_001440800.1, NM_001440801.1, NM_001440805.1); c.1765G>A, p.Asp589Asn (NM_001440802.1, NM_001440803.1, NM_001440804.1); short protein forms D589N, D622N.
Identifiers: ClinVar variation 4075664 (VCV004075664.1).